The following is an entry in ClinVar:

NM_181552.4(CUX1):c.1848T>C (p.Asp616=)

Gene: CUX1 (cut like homeobox 1; plus strand). Cytogenetic location: 7q22.1.
Variant type: single nucleotide variant.
Coding change: c.1848T>C on transcript NM_181552.4 (MANE Select); coding-DNA position 1848, T replaced by C.
Protein change: p.Asp616=; no amino-acid change (aspartic acid 616 retained).
Molecular consequence: synonymous variant. On other transcripts: intron variant (5).
Genome position (GRCh38, 1-based): chr7:102,197,259, T>C. VCF-style: chr7-102197259-T-C. GRCh37 (hg19) VCF-style: chr7-101840539-T-C.
Other names: c.1881T>C, p.Asp627= (NM_001202543.2); c.1255+1656T>C (NM_001913.5); c.1249+1656T>C (NM_181500.4); c.1117+1656T>C (NM_001202545.3); c.1207+1656T>C (NM_001202544.3); c.1138+1656T>C (NM_001202546.3).
Identifiers: ClinVar variation 3770699 (VCV003770699.13).

ClinVar aggregate classification (germline): Likely benign (1 of 4 stars; one submission).

gnomAD v4.1: 16 of 1,613,986 alleles (0.00099%); highest among the groups gnomAD compares: Non-Finnish European, 0.0013%; no homozygotes.

Submission:

CeGaT Center for Human Genetics Tuebingen
Classification: Likely benign. Last evaluated: 2025-01-01. Review status: criteria provided, single submitter. Criteria: CeGaT Center For Human Genetics Tuebingen Variant Classification Criteria Version 2. Collection method: clinical testing. Allele origin: germline. Affected: yes. Observed: 1 variant allele.
Comment: CUX1: BP4, BP7